The following is an entry in ClinVar:

NM_001130144.3(LTBP3):c.3505G>A (p.Gly1169Ser)

Gene: LTBP3 (latent transforming growth factor beta binding protein 3; minus strand). Cytogenetic location: 11q13.1.
Variant type: single nucleotide variant.
Coding change: c.3505G>A on transcript NM_001130144.3 (MANE Select); coding-DNA position 3505, G replaced by A.
Protein change: p.Gly1169Ser; replaces glycine 1169 with serine.
Molecular consequence: missense variant.
Genome position (GRCh38, 1-based): chr11:65,539,762, C>T on the plus strand (G>A on the coding strand, the complement: LTBP3 is on the minus strand). VCF-style: chr11-65539762-C-T. GRCh37 (hg19) VCF-style: chr11-65307233-C-T.
Other names: c.3013G>A, p.Gly1005Ser (NM_001164266.1); c.3364G>A, p.Gly1122Ser (NM_021070.4); short protein forms G1122S, G1169S, G1005S.
Identifiers: ClinVar variation 4697881 (VCV004697881.1).

ClinVar aggregate classification (germline): Uncertain significance (1 of 4 stars; one submission).

Conditions:
Brachyolmia-amelogenesis imperfecta syndrome. Also called: Tooth agenesis, selective, 6; Dental anomalies and short stature; PLATYSPONDYLY WITH AMELOGENESIS IMPERFECTA. Identifiers: Orphanet 2899, MedGen C1832594, MONDO:0011018, OMIM 601216. Disease mechanism: loss of function.

Submission:

Labcorp Genetics (formerly Invitae), Labcorp
Classification: Uncertain significance for Brachyolmia-amelogenesis imperfecta syndrome. Last evaluated: 2025-03-05. Review status: criteria provided, single submitter. Criteria: Invitae Variant Classification Sherloc (09022015). Collection method: clinical testing. Allele origin: germline.
Comment: This sequence change replaces glycine, which is neutral and non-polar, with serine, which is neutral and polar, at codon 1169 of the LTBP3 protein (p.Gly1169Ser). The frequency data for this variant in the population databases is considered unreliable, as metrics indicate poor data quality at this position in the gnomAD database. This variant has not been reported in the literature in individuals affected with LTBP3-related conditions. An algorithm developed to predict the effect of missense changes on protein structure and function (PolyPhen-2) suggests that this variant is likely to be disruptive. In summary, the available evidence is currently insufficient to determine the role of this variant in disease. Therefore, it has been classified as a Variant of Uncertain Significance.